The following is an entry in ClinVar:

ClinVar aggregate classification (germline): Pathogenic (1 of 4 stars; one submission).

Submission:

Labcorp Genetics (formerly Invitae), Labcorp
Classification: Pathogenic. Last evaluated: 2023-02-14. Review status: criteria provided, single submitter. Criteria: Invitae Variant Classification Sherloc (09022015). Collection method: clinical testing. Allele origin: unknown.
Comment: A gross deletion of the genomic region encompassing the full coding sequence of the COL4A3 gene has been identified. Loss-of-function variants in COL4A3 are known to be pathogenic (PMID: 8956999, 24854265, 26809805, 27281700). The boundaries of this event are unknown as they extend beyond the assayed region for this gene and therefore may encompass additional genes. Isolated whole-gene deletions of COL4A3 have not been reported in the literature. However, larger copy number events that include this gene have been reported (PMID: 29801666). For these reasons, this variant has been classified as Pathogenic.

Literature cited by the submitters: PubMed 8956999; PubMed 24854265; PubMed 26809805; PubMed 27281700; PubMed 29801666.

NC_000002.11:g.(?_227872041)_(228176586_?)del

Genes: COL4A3 (collagen type IV alpha 3 chain; plus strand), COL4A4 (collagen type IV alpha 4 chain; minus strand). Cytogenetic location: 2q36.3.
Variant type: Deletion.
Identifiers: ClinVar variation 3247434 (VCV003247434.1).